The following is an entry in ClinVar:

ClinVar aggregate classification (germline): Likely pathogenic (1 of 4 stars; one submission).

Allele frequency attached by ClinVar (database versions not stated): gnomAD exomes below 0.00001; ExAC 0.00001; gnomAD 0.00001.
gnomAD v4.1: 5 of 1,611,612 alleles (0.00031%); highest among the groups gnomAD compares: Non-Finnish European, 0.00034%; no homozygotes.

Submission:

Labcorp Genetics (formerly Invitae), Labcorp
Classification: Likely pathogenic. Last evaluated: 2023-02-13. Review status: criteria provided, single submitter. Criteria: Invitae Variant Classification Sherloc (09022015). Collection method: clinical testing. Allele origin: germline.
Comment: This sequence change affects an acceptor splice site in intron 13 of the ABCA12 gene. It is expected to disrupt RNA splicing. Variants that disrupt the donor or acceptor splice site typically lead to a loss of protein function (PMID: 16199547), and loss-of-function variants in ABCA12 are known to be pathogenic (PMID: 20672373). The frequency data for this variant in the population databases is considered unreliable, as metrics indicate poor data quality at this position in the gnomAD database. This variant has not been reported in the literature in individuals affected with ABCA12-related conditions. Algorithms developed to predict the effect of sequence changes on RNA splicing suggest that this variant may disrupt the consensus splice site. In summary, the currently available evidence indicates that the variant is pathogenic, but additional data are needed to prove that conclusively. Therefore, this variant has been classified as Likely Pathogenic.

Literature cited by the submitters: PubMed 16199547; PubMed 20672373.

NM_173076.3(ABCA12):c.1658-2A>G

Gene: ABCA12 (ATP binding cassette subfamily A member 12; minus strand). Cytogenetic location: 2q35.
Variant type: single nucleotide variant.
Coding change: c.1658-2A>G on transcript NM_173076.3 (MANE Select); the canonical splice acceptor site of the intron before coding-DNA position 1658, A replaced by G.
Molecular consequence: splice acceptor variant.
Genome position (GRCh38, 1-based): chr2:215,018,134, T>C on the plus strand (A>G on the coding strand, the complement: ABCA12 is on the minus strand). VCF-style: chr2-215018134-T-C. GRCh37 (hg19) VCF-style: chr2-215882858-T-C.
Other names: c.704-2A>G (NM_015657.4).
Identifiers: ClinVar variation 2836615 (VCV002836615.3), dbSNP rs775318979, ClinGen allele CA2092169.